The following is an entry in ClinVar:

ClinVar aggregate classification (germline): Likely pathogenic. Review status: criteria provided, multiple submitters, no conflicts (2 of 4 stars). 2 submissions from 2 submitters: Likely pathogenic (2). Last evaluated 2025-08-24.

Conditions:
Alport syndrome. Also called: Hemorrhagic familial nephritis; Hemorrhagic hereditary nephritis; Congenital hereditary hematuria. Identifiers: Orphanet 63, MedGen C1567741, MONDO:0018965.
Autosomal recessive Alport syndrome (ATS2). Also called: Alport syndrome type 2; COL4A3-Related Nephropathy; COL4A4 Alport Syndrome and Thin Basement Membrane Nephropathy; ALPORT SYNDROME 2, AUTOSOMAL RECESSIVE. Identifiers: Orphanet 63, Orphanet 88919, MedGen C4746745, MONDO:0008762, OMIM 203780.
Hematuria, benign familial, 1 (BFH1). Also called: THIN MEMBRANE NEPHROPATHY. Identifiers: MedGen CN376803, MONDO:0007709, OMIM 141200.

gnomAD v4.1: 6 of 1,614,108 alleles (0.00037%); highest among the groups gnomAD compares: Non-Finnish European, 0.00042%; no homozygotes.

Submissions (2):

Natera, Inc.
Classification: Likely pathogenic for Alport syndrome. Last evaluated: 2025-08-24. Review status: criteria provided, single submitter. Criteria: Natera Variant Classification Schema (03/2026). Collection method: clinical testing. Allele origin: germline.
Comment: The c.3955G>A variant in COL4A4 is a missense variant predicted to cause substitution of glycine to arginine at amino acid 1319. This variant is rare in the general population with a frequency below the threshold expected for the associated phenotype(s). This variant is located in a functionally critical region of the protein. Computational prediction algorithms indicate this variant is likely to affect gene or protein function. Given the available evidence, this variant is classified as Likely Pathogenic.

Fulgent Genetics
Classification: Likely pathogenic for Hematuria, benign familial, 1; Autosomal recessive Alport syndrome. Last evaluated: 2024-04-30. Review status: criteria provided, single submitter. Criteria: ACMG Guidelines, 2015. Collection method: clinical testing. Allele origin: germline.

NM_000092.5(COL4A4):c.3955G>A (p.Gly1319Arg)

Gene: COL4A4 (collagen type IV alpha 4 chain; minus strand). Cytogenetic location: 2q36.3.
Variant type: single nucleotide variant.
Coding change: c.3955G>A on transcript NM_000092.5 (MANE Select); coding-DNA position 3955, G replaced by A.
Protein change: p.Gly1319Arg; replaces glycine 1319 with arginine.
Molecular consequence: missense variant.
Genome position (GRCh38, 1-based): chr2:227,030,461, C>T on the plus strand (G>A on the coding strand, the complement: COL4A4 is on the minus strand). VCF-style: chr2-227030461-C-T. GRCh37 (hg19) VCF-style: chr2-227895177-C-T.
Other names: short protein forms G1319R.
Identifiers: ClinVar variation 3585764 (VCV003585764.2).